The following is an entry in ClinVar:

NM_052867.4(NALCN):c.4621T>C (p.Ser1541Pro)

Gene: NALCN (sodium leak channel, non-selective; minus strand). Cytogenetic location: 13q32.3.
Variant type: single nucleotide variant.
Coding change: c.4621T>C on transcript NM_052867.4 (MANE Select); coding-DNA position 4621, T replaced by C.
Protein change: p.Ser1541Pro; replaces serine 1541 with proline.
Molecular consequence: missense variant.
Genome position (GRCh38, 1-based): chr13:101,062,102, A>G on the plus strand (T>C on the coding strand, the complement: NALCN is on the minus strand). VCF-style: chr13-101062102-A-G. GRCh37 (hg19) VCF-style: chr13-101714454-A-G.
Other names: c.4708T>C, p.Ser1570Pro (NM_001350748.2); c.4621T>C, p.Ser1541Pro (NM_001350749.2); c.4534T>C, p.Ser1512Pro (NM_001350750.2, NM_001350751.2); short protein forms S1512P, S1570P, S1541P.
Identifiers: ClinVar variation 3656104 (VCV003656104.2).

ClinVar aggregate classification (germline): Uncertain significance (1 of 4 stars; one submission).

Submission:

Labcorp Genetics (formerly Invitae), Labcorp
Classification: Uncertain significance. Last evaluated: 2024-06-10. Review status: criteria provided, single submitter. Criteria: Invitae Variant Classification Sherloc (09022015). Collection method: clinical testing. Allele origin: germline.
Comment: This sequence change replaces serine, which is neutral and polar, with proline, which is neutral and non-polar, at codon 1541 of the NALCN protein (p.Ser1541Pro). This variant is not present in population databases (gnomAD no frequency). This variant has not been reported in the literature in individuals affected with NALCN-related conditions. Advanced modeling of protein sequence and biophysical properties (such as structural, functional, and spatial information, amino acid conservation, physicochemical variation, residue mobility, and thermodynamic stability) has been performed at Invitae for this missense variant, however the output from this modeling did not meet the statistical confidence thresholds required to predict the impact of this variant on NALCN protein function. In summary, the available evidence is currently insufficient to determine the role of this variant in disease. Therefore, it has been classified as a Variant of Uncertain Significance.